The following is an entry in ClinVar:

NM_001267550.2(TTN):c.35313G>A (p.Pro11771=)

Gene: TTN (titin; minus strand). Cytogenetic location: 2q31.2.
Variant type: single nucleotide variant.
Coding change: c.35313G>A on transcript NM_001267550.2 (MANE Select); coding-DNA position 35313, G replaced by A.
Protein change: p.Pro11771=; no amino-acid change (proline 11771 retained).
Molecular consequence: synonymous variant. On other transcripts: intron variant (3).
Genome position (GRCh38, 1-based): chr2:178,670,291, C>T on the plus strand (G>A on the coding strand, the complement: TTN is on the minus strand). VCF-style: chr2-178670291-C-T. GRCh37 (hg19) VCF-style: chr2-179535018-C-T.
Other names: c.34191G>A, p.Pro11397= (NM_001256850.1); c.31410G>A, p.Pro10470= (NM_133378.4); c.13283-27974G>A (NM_003319.4); c.13859-27974G>A (NM_133437.4); c.13658-27974G>A (NM_133432.3).
Identifiers: ClinVar variation 386245 (VCV000386245.48), dbSNP rs369739111, ClinGen allele CA1997853.

ClinVar aggregate classification (germline): Conflicting classifications of pathogenicity. Review status: criteria provided, conflicting classifications (1 of 4 stars). 8 submissions from 8 submitters: Uncertain significance (1); Likely benign (5). 2 of the submissions do not count toward it. Last evaluated 2026-09-01.

Conditions:
TTN-related disorder. Also called: TTN-related condition; TTN-related disease; TTN-related disorders.
Autosomal recessive limb-girdle muscular dystrophy type 2J (LGMDR10). Also called: Limb-girdle muscular dystrophy, type 2J; MUSCULAR DYSTROPHY, LIMB-GIRDLE, AUTOSOMAL RECESSIVE 10. Identifiers: Orphanet 140922, MedGen C1837342, MONDO:0012127, OMIM 608807.
Dilated cardiomyopathy 1G (CMD1G). Identifiers: Orphanet 154, MedGen C1858763, MONDO:0011400, OMIM 604145.

Allele frequency attached by ClinVar (database versions not stated): ESP Exome Variant Server 0.00009; gnomAD exomes 0.00012 and 0.00017; TOPMed 0.00012; gnomAD 0.00013 and 0.00014; ExAC 0.00016.
gnomAD v4.1: 240 of 1,470,400 alleles (0.016%); highest among the groups gnomAD compares: South Asian, 0.062%; no homozygotes.

Submissions (8):

CeGaT Center for Human Genetics Tuebingen
Classification: Likely benign. Last evaluated: 2026-09-01. Review status: criteria provided, single submitter. Criteria: CeGaT Center For Human Genetics Tuebingen Variant Classification Criteria Version 2. Collection method: clinical testing. Allele origin: germline. Affected: yes. Observed: 3 variant alleles.
Comment: TTN: BP4, BP7

Labcorp Genetics (formerly Invitae), Labcorp
Classification: Likely benign for Dilated cardiomyopathy 1G; Autosomal recessive limb-girdle muscular dystrophy type 2J. Last evaluated: 2026-01-29. Review status: criteria provided, single submitter. Criteria: Invitae Variant Classification Sherloc (09022015). Collection method: clinical testing. Allele origin: germline.

PreventionGenetics, part of Exact Sciences
Classification: Likely benign for TTN-related condition. Last evaluated: 2025-03-20. Review status: criteria provided, single submitter. Criteria: ACMG Guidelines, 2015. Collection method: clinical testing. Allele origin: germline.
Comment: This variant is classified as likely benign based on ACMG/AMP sequence variant interpretation guidelines (Richards et al. 2015 PMID: 25741868, with internal and published modifications).

Blueprint Genetics
Classification: Likely benign. Last evaluated: 2024-10-22. Review status: criteria provided, single submitter. Criteria: ACMG Guidelines, 2015. Collection method: clinical testing. Allele origin: germline.

GeneDx
Classification: Likely benign. Last evaluated: 2019-01-04. Review status: criteria provided, single submitter. Criteria: GeneDx Variant Classification Process June 2021. Collection method: clinical testing. Allele origin: germline. Affected: yes.

Eurofins Ntd Llc (ga)
Classification: Uncertain significance. Last evaluated: 2016-10-03. Review status: criteria provided, single submitter. Criteria: EGL Classification Definitions 2015. Collection method: clinical testing. Allele origin: germline. Observed: 2 variant alleles, 2 heterozygotes.

Diagnostic Laboratory, Department of Genetics, University Medical Center Groningen
Classification: Likely benign. Review status: no assertion criteria provided. Collection method: clinical testing. Allele origin: germline. Affected: yes. Study: VKGL Data-share Consensus. Not counted in ClinVar's aggregate classification.

Joint Genome Diagnostic Labs from Nijmegen and Maastricht, Radboudumc and MUMC+
Classification: Likely benign. Review status: no assertion criteria provided. Collection method: clinical testing. Allele origin: germline. Affected: yes. Study: VKGL Data-share Consensus. Not counted in ClinVar's aggregate classification.